The following is an entry in ClinVar:

ClinVar aggregate classification (germline): Conflicting classifications of pathogenicity. Review status: criteria provided, conflicting classifications (1 of 4 stars). 3 submissions from 3 submitters: Uncertain significance (1); Benign (1); Likely benign (1). Last evaluated 2023-06-01.

Conditions:
Neurodevelopmental disorder. Identifiers: MedGen C1535926, MeSH D065886, MONDO:0700092.

Allele frequency attached by ClinVar (database versions not stated): 1000 Genomes Project 30x 0.00141; 1000 Genomes Project 0.00160; ESP Exome Variant Server 0.00454; gnomAD exomes 0.00454 and 0.00636; TOPMed 0.00461; gnomAD 0.00472 and 0.00487; ExAC 0.00652.
gnomAD v4.1: 9,716 of 1,581,878 alleles (0.61%); highest among the groups gnomAD compares: Middle Eastern, 0.81%; 34 homozygotes.

Submissions (9):

CeGaT Center for Human Genetics Tuebingen
Classification: Likely benign. Last evaluated: 2023-06-01. Review status: criteria provided, single submitter. Criteria: CeGaT Center For Human Genetics Tuebingen Variant Classification Criteria Version 2. Collection method: clinical testing. Allele origin: germline. Affected: yes. Observed: 7 variant alleles.
Comment: SPTBN5: BP4, BS2

Molecular Genetics, Royal Melbourne Hospital
Classification: Benign for Neurodevelopmental disorder. Last evaluated: 2023-05-04. Review status: criteria provided, single submitter. Criteria: ACMG Guidelines, 2015. Collection method: clinical testing. Allele origin: germline. Affected: no.
Comment: European Non-Finnish population allele frequency is 0.7124% (rs200163654, 891/196342 alleles, 3 homozygotes in gnomAD v2.1). Based on the classification scheme RMH Modified ACMG/AMP Guidelines v1.5.1, this variant is classified as BENIGN. Following criteria are met: BA1

Breakthrough Genomics
Classification: Uncertain significance. Review status: criteria provided, single submitter. Criteria: ACMG Guidelines, 2015. Collection method: not provided. Allele origin: germline. Inheritance: Unknown mechanism. Affected: yes.

Dr. Peter K. Rogan Lab, Western University
No classification provided (evidence only). Condition: Cervical cancer. Review status: no classification provided. Collection method: in vitro. Allele origin: not applicable. Functional consequence: retained intron. Not counted in ClinVar's aggregate classification.

Dr. Peter K. Rogan Lab, Western University
No classification provided (evidence only). Condition: Cervical cancer. Review status: no classification provided. Collection method: in vitro. Allele origin: not applicable. Functional consequence: retained intron. Not counted in ClinVar's aggregate classification.

Dr. Peter K. Rogan Lab, Western University
No classification provided (evidence only). Condition: Sarcoma. Review status: no classification provided. Collection method: in vitro. Allele origin: not applicable. Functional consequence: retained intron. Not counted in ClinVar's aggregate classification.

Dr. Peter K. Rogan Lab, Western University
No classification provided (evidence only). Condition: Thymoma. Review status: no classification provided. Collection method: in vitro. Allele origin: not applicable. Functional consequence: retained intron. Not counted in ClinVar's aggregate classification.

Dr. Peter K. Rogan Lab, Western University
No classification provided (evidence only). Condition: Gastric cancer. Review status: no classification provided. Collection method: in vitro. Allele origin: not applicable. Functional consequence: retained intron. Not counted in ClinVar's aggregate classification.

Dr. Peter K. Rogan Lab, Western University
No classification provided (evidence only). Condition: Malignant tumor of esophagus. Review status: no classification provided. Collection method: in vitro. Allele origin: not applicable. Functional consequence: retained intron. Not counted in ClinVar's aggregate classification.

NM_016642.4(SPTBN5):c.8809A>T (p.Asn2937Tyr)

Gene: SPTBN5 (spectrin beta, non-erythrocytic 5; minus strand). Cytogenetic location: 15q15.1.
Variant type: single nucleotide variant.
Coding change: c.8809A>T on transcript NM_016642.4 (MANE Select); coding-DNA position 8809, A replaced by T.
Protein change: p.Asn2937Tyr; replaces asparagine 2937 with tyrosine.
Molecular consequence: missense variant.
Genome position (GRCh38, 1-based): chr15:41,856,598, T>A on the plus strand (A>T on the coding strand, the complement: SPTBN5 is on the minus strand). VCF-style: chr15-41856598-T-A. GRCh37 (hg19) VCF-style: chr15-42148796-T-A.
Other names: NC_000015.9:g.42148796T>A; short protein forms N2937Y.
Identifiers: ClinVar variation 807213 (VCV000807213.44), dbSNP rs200163654, ClinGen allele CA7501720.